The following is an entry in ClinVar:

NM_002206.3(ITGA7):c.475A>G (p.Met159Val)

Gene: ITGA7 (integrin subunit alpha 7; minus strand). Cytogenetic location: 12q13.2.
Variant type: single nucleotide variant.
Coding change: c.475A>G on transcript NM_002206.3 (MANE Select); coding-DNA position 475, A replaced by G.
Protein change: p.Met159Val; replaces methionine 159 with valine.
Molecular consequence: missense variant. On other transcripts: 5 prime UTR variant (1).
Genome position (GRCh38, 1-based): chr12:55,701,094, T>C on the plus strand (A>G on the coding strand, the complement: ITGA7 is on the minus strand). VCF-style: chr12-55701094-T-C. GRCh37 (hg19) VCF-style: chr12-56094878-T-C.
Other names: c.475A>G, p.Met159Val (NM_001144996.2, NM_001374465.1, NM_001410977.1 and 5 more transcripts); c.184A>G, p.Met62Val (NM_001144997.2); c.136A>G, p.Met46Val (NM_001367993.1, NM_001414035.1); c.-698A>G (NM_001367994.1); short protein forms M62V, M159V, M46V.
Identifiers: ClinVar variation 470582 (VCV000470582.8), dbSNP rs749262192, ClinGen allele CA6616298.

ClinVar aggregate classification (germline): Uncertain significance (1 of 4 stars; one submission).

Conditions:
Congenital muscular dystrophy due to integrin alpha-7 deficiency. Also called: Congenital muscular dystrophy with integrin alpha-7 deficiency; Muscular dystrophy, congenital, due to ITGA7 deficiency; MYOPATHY, CONGENITAL, DUE TO INTEGRIN ALPHA-7 DEFICIENCY. Identifiers: Orphanet 34520, MedGen C2750786, MONDO:0013177, OMIM 613204.

Allele frequency attached by ClinVar (database versions not stated): TOPMed 0.00001; gnomAD exomes below 0.00001; ExAC 0.00001.

Submission:

Labcorp Genetics (formerly Invitae), Labcorp
Classification: Uncertain significance for Congenital muscular dystrophy due to integrin alpha-7 deficiency. Last evaluated: 2022-08-23. Review status: criteria provided, single submitter. Criteria: Invitae Variant Classification Sherloc (09022015). Collection method: clinical testing. Allele origin: germline.
Comment: In summary, the available evidence is currently insufficient to determine the role of this variant in disease. Therefore, it has been classified as a Variant of Uncertain Significance. Algorithms developed to predict the effect of missense changes on protein structure and function output the following: SIFT: "Tolerated"; PolyPhen-2: "Benign"; Align-GVGD: "Class C0". The valine amino acid residue is found in multiple mammalian species, which suggests that this missense change does not adversely affect protein function. ClinVar contains an entry for this variant (Variation ID: 470582). This variant has not been reported in the literature in individuals affected with ITGA7-related conditions. This variant is present in population databases (rs749262192, gnomAD 0.0009%). This sequence change replaces methionine, which is neutral and non-polar, with valine, which is neutral and non-polar, at codon 159 of the ITGA7 protein (p.Met159Val).